The following is an entry in ClinVar:

ClinVar aggregate classification (germline): Uncertain significance (1 of 4 stars; one submission).

Conditions:
POLD1-related polyposis and colorectal cancer syndrome (CRCS10). Also called: Colorectal cancer 10; COLORECTAL CANCER, SUSCEPTIBILITY TO, ON CHROMOSOME 19q; Colorectal cancer, susceptibility to, 10. Identifiers: Orphanet 220460, MedGen C2675481, MONDO:0012953, OMIM 612591.

Submission:

Labcorp Genetics (formerly Invitae), Labcorp
Classification: Uncertain significance for POLD1-related polyposis and colorectal cancer syndrome. Last evaluated: 2024-06-25. Review status: criteria provided, single submitter. Criteria: Invitae Variant Classification Sherloc (09022015). Collection method: clinical testing. Allele origin: germline.
Comment: This sequence change replaces lysine, which is basic and polar, with asparagine, which is neutral and polar, at codon 653 of the POLD1 protein (p.Lys653Asn). This variant is not present in population databases (gnomAD no frequency). This variant has not been reported in the literature in individuals affected with POLD1-related conditions. Advanced modeling of protein sequence and biophysical properties (such as structural, functional, and spatial information, amino acid conservation, physicochemical variation, residue mobility, and thermodynamic stability) performed at Invitae indicates that this missense variant is not expected to disrupt POLD1 protein function with a negative predictive value of 80%. In summary, the available evidence is currently insufficient to determine the role of this variant in disease. Therefore, it has been classified as a Variant of Uncertain Significance.

NM_002691.4(POLD1):c.1959G>T (p.Lys653Asn)

Gene: POLD1 (DNA polymerase delta 1, catalytic subunit; plus strand). Cytogenetic location: 19q13.33.
Variant type: single nucleotide variant.
Coding change: c.1959G>T on transcript NM_002691.4 (MANE Select); coding-DNA position 1959, G replaced by T.
Protein change: p.Lys653Asn; replaces lysine 653 with asparagine.
Molecular consequence: missense variant. On other transcripts: non-coding transcript variant (1).
Genome position (GRCh38, 1-based): chr19:50,409,188, G>T. VCF-style: chr19-50409188-G-T. GRCh37 (hg19) VCF-style: chr19-50912445-G-T.
Other names: c.1959G>T, p.Lys653Asn (NM_001256849.1); c.2037G>T, p.Lys679Asn (NM_001308632.1); short protein forms K653N, K679N.
Identifiers: ClinVar variation 3657749 (VCV003657749.2).